The following is an entry in ClinVar:

ClinVar aggregate classification (germline): Benign/Likely benign. Review status: criteria provided, multiple submitters, no conflicts (2 of 4 stars). 3 submissions from 3 submitters: Benign (1); Likely benign (2). Last evaluated 2024-03-18.

Conditions:
Familial adenomatous polyposis 1 (FAP1). Also called: FAMILIAL ADENOMATOUS POLYPOSIS 1, ATTENUATED; POLYPOSIS, ADENOMATOUS INTESTINAL. Identifiers: MedGen C2713442, MONDO:0021056, OMIM 175100. Disease mechanism: loss of function.
Hereditary cancer-predisposing syndrome. Also called: Tumor predisposition; Neoplastic Syndromes, Hereditary; Hereditary Cancer Syndrome; Hereditary neoplastic syndrome. Identifiers: Orphanet 140162, MedGen C0027672, MeSH D009386, MONDO:0015356.

Submissions (3):

Myriad Genetics, Inc.
Classification: Benign for Familial adenomatous polyposis 1. Last evaluated: 2024-03-18. Review status: criteria provided, single submitter. Criteria: Myriad Autosomal Dominant, Autosomal Recessive and X-Linked Classification Criteria (2023). Collection method: clinical testing. Allele origin: unknown.
Comment: This variant is considered benign. This variant is a silent/synonymous amino acid change and it is not expected to impact splicing.

Ambry Genetics
Classification: Likely benign for Hereditary cancer-predisposing syndrome. Last evaluated: 2024-02-24. Review status: criteria provided, single submitter. Criteria: Ambry Variant Classification Scheme 2023. Collection method: clinical testing. Allele origin: germline.

Labcorp Genetics (formerly Invitae), Labcorp
Classification: Likely benign for Familial adenomatous polyposis 1. Last evaluated: 2018-08-27. Review status: criteria provided, single submitter. Criteria: Invitae Variant Classification Sherloc (09022015). Collection method: clinical testing. Allele origin: germline.

NM_000038.6(APC):c.3276T>C (p.His1092=)

Gene: APC (APC regulator of Wnt signaling pathway; plus strand). Cytogenetic location: 5q22.2.
Variant type: single nucleotide variant.
Coding change: c.3276T>C on transcript NM_000038.6 (MANE Select); coding-DNA position 3276, T replaced by C.
Protein change: p.His1092=; no amino-acid change (histidine 1092 retained).
Molecular consequence: synonymous variant.
Genome position (GRCh38, 1-based): chr5:112,838,870, T>C. VCF-style: chr5-112838870-T-C. GRCh37 (hg19) VCF-style: chr5-112174567-T-C.
Other names: c.2898T>C, p.His966= (NM_001354904.2); c.2796T>C, p.His932= (NM_001354905.2); c.2427T>C, p.His809= (NM_001354906.2); c.3276T>C, p.His1092= (NM_001127510.3, NM_001354895.2); c.3222T>C, p.His1074= (NM_001127511.3); c.3330T>C, p.His1110= (NM_001354896.2); c.3306T>C, p.His1102= (NM_001354897.2); c.3201T>C, p.His1067= (NM_001354898.2); and 5 more.
Identifiers: ClinVar variation 766679 (VCV000766679.11), dbSNP rs1580633332, ClinGen allele CA445963563.